The following is an entry in ClinVar:

ClinVar aggregate classification (germline): Uncertain significance (1 of 4 stars; one submission).

Conditions:
Paroxysmal nonkinesigenic dyskinesia. Also called: Paroxysmal non-kinesigenic dyskinesia. Identifiers: Orphanet 98810, MedGen C1869117, MONDO:0700088.

Allele frequency attached by ClinVar (database versions not stated): ExAC 0.00001; gnomAD 0.00001.
gnomAD v4.1: 7 of 1,613,736 alleles (0.00043%); highest among the groups gnomAD compares: Non-Finnish European, 0.00059%; no homozygotes.

Submission:

Labcorp Genetics (formerly Invitae), Labcorp
Classification: Uncertain significance for Paroxysmal nonkinesigenic dyskinesia. Last evaluated: 2023-07-03. Review status: criteria provided, single submitter. Criteria: Invitae Variant Classification Sherloc (09022015). Collection method: clinical testing. Allele origin: germline.
Comment: In summary, the available evidence is currently insufficient to determine the role of this variant in disease. Therefore, it has been classified as a Variant of Uncertain Significance. Advanced modeling of protein sequence and biophysical properties (such as structural, functional, and spatial information, amino acid conservation, physicochemical variation, residue mobility, and thermodynamic stability) performed at Invitae indicates that this missense variant is not expected to disrupt PNKD protein function. This variant has not been reported in the literature in individuals affected with PNKD-related conditions. This variant is present in population databases (rs754958157, gnomAD 0.0009%). This sequence change replaces alanine, which is neutral and non-polar, with serine, which is neutral and polar, at codon 143 of the PNKD protein (p.Ala143Ser).

NM_015488.5(PNKD):c.427G>T (p.Ala143Ser)

Genes: CATIP-AS2 (CATIP antisense RNA 2; minus strand), PNKD (PNKD metallo-beta-lactamase domain containing; plus strand). Cytogenetic location: 2q35.
Variant type: single nucleotide variant.
Coding change: c.427G>T on transcript NM_015488.5 (MANE Select); coding-DNA position 427, G replaced by T.
Protein change: p.Ala143Ser; replaces alanine 143 with serine.
Molecular consequence: missense variant.
Genome position (GRCh38, 1-based): chr2:218,340,103, G>T. VCF-style: chr2-218340103-G-T. GRCh37 (hg19) VCF-style: chr2-219204826-G-T.
Other names: c.355G>T, p.Ala119Ser (NM_022572.5); short protein forms A143S, A119S.
Identifiers: ClinVar variation 2964238 (VCV002964238.3), dbSNP rs754958157, ClinGen allele CA2103944.
Genomic context (GRCh38, chr2:218,340,103, plus strand): 5'-CCCATCCCTGTCCTCTCGGACAACTACAGCTACCTCATCATCGACACCCAGGCCCAGCTG[G>T]CTGTGGCTGTGGACCCTTCAGACCCTCGGGCTGTGCAGGTGAGGGGAGGGCAGGGAGCAG-3'
Protein context (NP_056303.3, residues 133-153): YLIIDTQAQL[Ala143Ser]VAVDPSDPRA